The following is an entry in ClinVar:

ClinVar aggregate classification (germline): Uncertain significance (1 of 4 stars; one submission).

Conditions:
Axenfeld-Rieger syndrome type 3 (RIEG3). Also called: AXENFELD-RIEGER ANOMALY WITH CARDIAC DEFECTS AND/OR SENSORINEURAL HEARING LOSS. Identifiers: Orphanet 782, MedGen C2678503, MONDO:0011233, OMIM 602482.

Submission:

Labcorp Genetics (formerly Invitae), Labcorp
Classification: Uncertain significance for Axenfeld-Rieger syndrome type 3. Last evaluated: 2023-08-08. Review status: criteria provided, single submitter. Criteria: Invitae Variant Classification Sherloc (09022015). Collection method: clinical testing. Allele origin: germline.
Comment: This sequence change affects codon 13 of the FOXC1 mRNA. It is a 'silent' change, meaning that it does not change the encoded amino acid sequence of the FOXC1 protein. This variant is not present in population databases (gnomAD no frequency). This variant has not been reported in the literature in individuals affected with FOXC1-related conditions. In summary, the available evidence is currently insufficient to determine the role of this variant in disease. Therefore, it has been classified as a Variant of Uncertain Significance.

NM_001453.3(FOXC1):c.39G>A (p.Leu13=)

Gene: FOXC1 (forkhead box C1; plus strand). Cytogenetic location: 6p25.3.
Variant type: single nucleotide variant.
Coding change: c.39G>A on transcript NM_001453.3 (MANE Select); coding-DNA position 39, G replaced by A.
Protein change: p.Leu13=; no amino-acid change (leucine 13 retained).
Molecular consequence: synonymous variant.
Genome position (GRCh38, 1-based): chr6:1,610,484, G>A. VCF-style: chr6-1610484-G-A. GRCh37 (hg19) VCF-style: chr6-1610719-G-A.
Identifiers: ClinVar variation 2804282 (VCV002804282.3), dbSNP rs2480501239, ClinGen allele CA448393229.